The following is an entry in ClinVar:

NM_144997.7(FLCN):c.683C>G (p.Pro228Arg)

Gene: FLCN (folliculin; minus strand). Cytogenetic location: 17p11.2.
Variant type: single nucleotide variant.
Coding change: c.683C>G on transcript NM_144997.7 (MANE Select); coding-DNA position 683, C replaced by G.
Protein change: p.Pro228Arg; replaces proline 228 with arginine.
Molecular consequence: missense variant.
Genome position (GRCh38, 1-based): chr17:17,222,597, G>C on the plus strand (C>G on the coding strand, the complement: FLCN is on the minus strand). VCF-style: chr17-17222597-G-C. GRCh37 (hg19) VCF-style: chr17-17125911-G-C.
Other names: c.737C>G, p.Pro246Arg (NM_001353229.2); c.683C>G, p.Pro228Arg (NM_001353230.2, NM_001353231.2, NM_144606.7); short protein forms P246R, P228R.
Identifiers: ClinVar variation 4643195 (VCV004643195.1).

ClinVar aggregate classification (germline): Uncertain significance (1 of 4 stars; one submission).

Conditions:
Hereditary cancer-predisposing syndrome. Also called: Neoplastic Syndromes, Hereditary; Tumor predisposition; Hereditary Cancer Syndrome; Hereditary neoplastic syndrome. Identifiers: Orphanet 140162, MedGen C0027672, MeSH D009386, MONDO:0015356.

Submission:

Ambry Genetics
Classification: Uncertain significance for Hereditary cancer-predisposing syndrome. Last evaluated: 2025-11-16. Review status: criteria provided, single submitter. Criteria: Ambry Variant Classification Scheme 2023. Collection method: clinical testing. Allele origin: germline.
Comment: The p.P228R variant (also known as c.683C>G), located in coding exon 4 of the FLCN gene, results from a C to G substitution at nucleotide position 683. The proline at codon 228 is replaced by arginine, an amino acid with dissimilar properties. This amino acid position is conserved. In addition, this alteration is predicted to be deleterious by in silico analysis. Based on the available evidence, the clinical significance of this variant remains unclear.